The following is an entry in ClinVar:

NM_000744.7(CHRNA4):c.1273C>T (p.Pro425Ser)

Gene: CHRNA4 (cholinergic receptor nicotinic alpha 4 subunit; minus strand). Cytogenetic location: 20q13.33.
Variant type: single nucleotide variant.
Coding change: c.1273C>T on transcript NM_000744.7 (MANE Select); coding-DNA position 1273, C replaced by T.
Protein change: p.Pro425Ser; replaces proline 425 with serine.
Molecular consequence: missense variant. On other transcripts: non-coding transcript variant (1).
Genome position (GRCh38, 1-based): chr20:63,350,138, G>A on the plus strand (C>T on the coding strand, the complement: CHRNA4 is on the minus strand). VCF-style: chr20-63350138-G-A. GRCh37 (hg19) VCF-style: chr20-61981490-G-A.
Other names: c.745C>T, p.Pro249Ser (NM_001256573.2); short protein forms P425S, P249S.
Identifiers: ClinVar variation 546335 (VCV000546335.18), dbSNP rs764808511, ClinGen allele CA9957620.

ClinVar aggregate classification (germline): Conflicting classifications of pathogenicity. Review status: criteria provided, conflicting classifications (1 of 4 stars). 3 submissions from 3 submitters: Uncertain significance (2); Likely benign (1). Last evaluated 2019-11-26.

Conditions:
Familial sleep-related hypermotor epilepsy. Also called: Autosomal Dominant Sleep-Related Hypermotor (Hyperkinetic) Epilepsy. Identifiers: Orphanet 98784, MedGen C3696898, MONDO:0000030.
Inborn genetic diseases. Identifiers: MedGen C0950123, MeSH D030342.

Allele frequency attached by ClinVar (database versions not stated): gnomAD exomes 0.00001; ExAC 0.00003; gnomAD 0.00001.
gnomAD v4.1: 12 of 1,569,658 alleles (0.00076%); highest among the groups gnomAD compares: South Asian, 0.0047%; no homozygotes.

Submissions (3):

Labcorp Genetics (formerly Invitae), Labcorp
Classification: Likely benign. Last evaluated: 2019-11-26. Review status: criteria provided, single submitter. Criteria: Invitae Variant Classification Sherloc (09022015). Collection method: clinical testing. Allele origin: germline.

GeneDx
Classification: Uncertain significance. Last evaluated: 2019-04-02. Review status: criteria provided, single submitter. Criteria: GeneDx Variant Classification Process June 2021. Collection method: clinical testing. Allele origin: germline. Affected: yes.
Comment: In silico analysis, which includes protein predictors and evolutionary conservation, supports that this variant does not alter protein structure/function; Has not been previously published as pathogenic or benign to our knowledge

Ambry Genetics
Classification: Uncertain significance for Inborn genetic diseases. Last evaluated: 2017-01-16. Review status: criteria provided, single submitter. Criteria: Ambry Variant Classification Scheme 2023. Collection method: clinical testing. Allele origin: germline.
Comment: The p.P425S variant (also known as c.1273C>T), located in coding exon 5 of the CHRNA4 gene, results from a C to T substitution at nucleotide position 1273. The proline at codon 425 is replaced by serine, an amino acid with similar properties. This amino acid position is not well conserved in available vertebrate species. In addition, this alteration is predicted to be tolerated by in silico analysis. Since supporting evidence is limited at this time, the clinical significance of this variant remains unclear.